The following is an entry in ClinVar:

NM_001048174.2(MUTYH):c.1453G>A (p.Val485Met)

Gene: MUTYH (mutY DNA glycosylase; minus strand). Cytogenetic location: 1p34.1.
Variant type: single nucleotide variant.
Coding change: c.1453G>A on transcript NM_001048174.2 (MANE Select); coding-DNA position 1453, G replaced by A.
Protein change: p.Val485Met; replaces valine 485 with methionine.
Molecular consequence: missense variant. On other transcripts: non-coding transcript variant (2).
Genome position (GRCh38, 1-based): chr1:45,329,419, C>T on the plus strand (G>A on the coding strand, the complement: MUTYH is on the minus strand). VCF-style: chr1-45329419-C-T. GRCh37 (hg19) VCF-style: chr1-45795091-C-T.
Other names: c.1453G>A, p.Val485Met (NM_001048171.2, NM_001048173.2, NM_001293195.2); c.1456G>A, p.Val486Met (NM_001048172.2); c.1537G>A, p.Val513Met (NM_001128425.2); c.1498G>A, p.Val500Met (NM_001293190.2); c.1486G>A, p.Val496Met (NM_001293191.2); c.1177G>A, p.Val393Met (NM_001293192.2, NM_001293196.2); c.1108G>A, p.Val370Met (NM_001350650.2, NM_001350651.2); c.1528G>A, p.Val510Met (NM_012222.3); short protein forms V513M, V496M, V500M, V370M, V486M, V510M, V485M, V393M.
Identifiers: ClinVar variation 630418 (VCV000630418.8), dbSNP rs780209880, ClinGen allele CA340131899.
Genomic context (GRCh38, chr1:45,329,419, plus strand): 5'-AGAAATTATCCAGGACTTGCTGGCCCATGCGGGGCTTTTTCCGACTGCACGGAGAGGACA[C>T]CTGGGACCTTTTGGAACCCTGTGAAAAAATGGAAGGAGGGAGGCCTTGTAGTTGGGGGAG-3'
Protein context (NP_001041639.1, residues 475-495): GTCMGSKRSQ[Val485Met]SSPCSRKKPR

ClinVar aggregate classification (germline): Conflicting classifications of pathogenicity. Review status: criteria provided, conflicting classifications (1 of 4 stars). 3 submissions from 3 submitters: Uncertain significance (2); Benign (1). Last evaluated 2025-09-09.

Conditions:
Hereditary cancer-predisposing syndrome. Also called: Tumor predisposition; Neoplastic Syndromes, Hereditary; Hereditary neoplastic syndrome; Hereditary Cancer Syndrome. Identifiers: Orphanet 140162, MedGen C0027672, MeSH D009386, MONDO:0015356.

Submissions (3):

Ambry Genetics
Classification: Benign for Hereditary cancer-predisposing syndrome. Last evaluated: 2025-09-09. Review status: criteria provided, single submitter. Criteria: Ambry Variant Classification Scheme 2023. Collection method: clinical testing. Allele origin: germline.

GeneDx
Classification: Uncertain significance. Last evaluated: 2019-12-30. Review status: criteria provided, single submitter. Criteria: GeneDx Variant Classification Process June 2021. Collection method: clinical testing. Allele origin: germline. Affected: yes.
Comment: Not observed in large population cohorts (Lek 2016); In silico analysis, which includes protein predictors and evolutionary conservation, supports that this variant does not alter protein structure/function; Has not been previously published as pathogenic or benign to our knowledge

Color Diagnostics, LLC DBA Color Health
Classification: Uncertain significance for Hereditary cancer-predisposing syndrome. Last evaluated: 2019-06-29. Review status: criteria provided, single submitter. Criteria: ACMG Guidelines, 2015. Collection method: clinical testing. Allele origin: germline.